The following is an entry in ClinVar:

ClinVar aggregate classification (germline): Uncertain significance. Review status: criteria provided, single submitter (1 of 4 stars). 2 submissions from 2 submitters: Uncertain significance (1). 1 of the submissions does not count toward it. Last evaluated 2022-08-31.

Conditions:
Retinal dystrophy. Also called: Inherited retinal dystrophy. Identifiers: Orphanet 71862, MedGen C0854723, MeSH D058499, MONDO:0019118, HP:0000556.

Allele frequency attached by ClinVar (database versions not stated): gnomAD 0.00001; TOPMed 0.00001; gnomAD exomes 0.00003 and 0.00005; ExAC 0.00006.
gnomAD v4.1: 40 of 1,613,492 alleles (0.0025%); highest among the groups gnomAD compares: Middle Eastern, 0.033%; 1 homozygote.

Submissions (2):

Labcorp Genetics (formerly Invitae), Labcorp
Classification: Uncertain significance. Last evaluated: 2022-08-31. Review status: criteria provided, single submitter. Criteria: Invitae Variant Classification Sherloc (09022015). Collection method: clinical testing. Allele origin: germline.
Comment: Algorithms developed to predict the effect of missense changes on protein structure and function are either unavailable or do not agree on the potential impact of this missense change (SIFT: "Deleterious"; PolyPhen-2: "Benign"; Align-GVGD: "Class C25"). This sequence change replaces arginine, which is basic and polar, with cysteine, which is neutral and slightly polar, at codon 338 of the IMPDH1 protein (p.Arg338Cys). This variant is present in population databases (rs776847595, gnomAD 0.03%), including at least one homozygous and/or hemizygous individual. This variant has not been reported in the literature in individuals affected with IMPDH1-related conditions. ClinVar contains an entry for this variant (Variation ID: 1387201). In summary, the available evidence is currently insufficient to determine the role of this variant in disease. Therefore, it has been classified as a Variant of Uncertain Significance.

Institute of Human Genetics, Univ. Regensburg, Univ. Regensburg
Classification: Uncertain significance for Retinal dystrophy. Last evaluated: 2021-01-01. Review status: no assertion criteria provided. Criteria: ACMG Guidelines, 2015. Collection method: clinical testing. Allele origin: germline. Affected: yes. Not counted in ClinVar's aggregate classification.

NM_000883.4(IMPDH1):c.1012C>T (p.Arg338Cys)

Gene: IMPDH1 (inosine monophosphate dehydrogenase 1; minus strand). Cytogenetic location: 7q32.1.
Variant type: single nucleotide variant.
Coding change: c.1012C>T on transcript NM_000883.4 (MANE Select); coding-DNA position 1012, C replaced by T.
Protein change: p.Arg338Cys; replaces arginine 338 with cysteine.
Molecular consequence: missense variant.
Genome position (GRCh38, 1-based): chr7:128,398,476, G>A on the plus strand (C>T on the coding strand, the complement: IMPDH1 is on the minus strand). VCF-style: chr7-128398476-G-A. GRCh37 (hg19) VCF-style: chr7-128038530-G-A.
Other names: c.982C>T, p.Arg328Cys (NM_001102605.2); c.757C>T, p.Arg253Cys (NM_001142573.2); c.742C>T, p.Arg248Cys (NM_001142574.2); c.682C>T, p.Arg228Cys (NM_001142575.2); c.913C>T, p.Arg305Cys (NM_001142576.2); c.805C>T, p.Arg269Cys (NM_001304521.2); c.904C>T, p.Arg302Cys (NM_183243.3); short protein forms R248C, R338C, R228C, R253C, R269C, R302C, R305C, R328C.
Identifiers: ClinVar variation 1387201 (VCV001387201.7), dbSNP rs776847595, ClinGen allele CA4470979.